The following is an entry in ClinVar:

ClinVar aggregate classification (germline): Uncertain significance (1 of 4 stars; one submission).

Conditions:
OFD1-related disorder. Also called: OFD1-related condition.

Submission:

PreventionGenetics, part of Exact Sciences
Classification: Uncertain significance for OFD1-related condition. Last evaluated: 2026-04-27. Review status: criteria provided, single submitter. Criteria: ACMG Guidelines, 2015. Collection method: clinical testing. Allele origin: germline.
Comment: The OFD1 c.515T>A variant is predicted to result in the amino acid substitution p.Leu172Gln. To our knowledge, this variant has not been reported in the literature or in a large population database (gnomAD), indicating this variant is rare. An alternate missense substitution affecting the same amino acid position (p.Leu172Pro) has been reported in the hemizygous state in two individuals with features of X-linked Joubert syndrome (Aljeaid et al. 2019. PubMed ID: 30895720; Zhang et al. 2020. PubMed ID: 32944789). Although we suspect that the c.515T>A (p.Leu172Gln) variant may be pathogenic, at this time, the clinical significance of this variant is uncertain due to the absence of conclusive functional and genetic evidence.

NM_003611.3(OFD1):c.515T>A (p.Leu172Gln)

Gene: OFD1 (OFD1 centriole and centriolar satellite protein; plus strand). Cytogenetic location: Xp22.2.
Variant type: single nucleotide variant.
Coding change: c.515T>A on transcript NM_003611.3 (MANE Select); coding-DNA position 515, T replaced by A.
Protein change: p.Leu172Gln; replaces leucine 172 with glutamine.
Molecular consequence: missense variant.
Genome position (GRCh38, 1-based): chrX:13,744,517, T>A. VCF-style: chrX-13744517-T-A. GRCh37 (hg19) VCF-style: chrX-13762636-T-A.
Other names: c.515T>A, p.Leu172Gln (NM_001330209.2, NM_001440947.1, NM_001440948.1); c.95T>A, p.Leu32Gln (NM_001330210.2); short protein forms L172Q, L32Q.
Identifiers: ClinVar variation 4995394 (VCV004995394.1).